The following is an entry in ClinVar:

NM_020207.7(ERCC6L2):c.1238T>C (p.Leu413Pro)

Gene: ERCC6L2 (ERCC excision repair 6 like 2; plus strand). Cytogenetic location: 9q22.32.
Variant type: single nucleotide variant.
Coding change: c.1238T>C on transcript NM_020207.7 (MANE Select); coding-DNA position 1238, T replaced by C.
Protein change: p.Leu413Pro; replaces leucine 413 with proline.
Molecular consequence: missense variant. On other transcripts: non-coding transcript variant (1).
Genome position (GRCh38, 1-based): chr9:95,921,254, T>C. VCF-style: chr9-95921254-T-C. GRCh37 (hg19) VCF-style: chr9-98683536-T-C.
Other names: c.1238T>C, p.Leu413Pro (NM_001010895.4, NM_001375291.1, NM_001375292.1 and 2 more transcripts); short protein forms L413P.
Identifiers: ClinVar variation 2080129 (VCV002080129.4), dbSNP rs1445293570, ClinGen allele CA374123737.
Genomic context (GRCh38, chr9:95,921,254, plus strand): 5'-CAGATTTCCAGAAAGCTGTCTATCAAACAGTGTTAGAAACAGAGGACGTGACTTTGATAC[T>C]TCAATCTTCTGAGCCTTGTACCTGTAGGAGTGGCCAAAAAAGGAGAAATTGTTGTTATAA-3'
Protein context (NP_064592.3, residues 403-423): VLETEDVTLI[Leu413Pro]QSSEPCTCRS

ClinVar aggregate classification (germline): Uncertain significance (1 of 4 stars; one submission).

Submission:

Labcorp Genetics (formerly Invitae), Labcorp
Classification: Uncertain significance. Last evaluated: 2022-02-18. Review status: criteria provided, single submitter. Criteria: Invitae Variant Classification Sherloc (09022015). Collection method: clinical testing. Allele origin: germline.
Comment: This variant has not been reported in the literature in individuals affected with ERCC6L2-related conditions. In summary, the available evidence is currently insufficient to determine the role of this variant in disease. Therefore, it has been classified as a Variant of Uncertain Significance. Algorithms developed to predict the effect of missense changes on protein structure and function are either unavailable or do not agree on the potential impact of this missense change (SIFT: "Deleterious"; PolyPhen-2: "Not Available"; Align-GVGD: "Class C0"). This variant is not present in population databases (gnomAD no frequency). This sequence change replaces leucine, which is neutral and non-polar, with proline, which is neutral and non-polar, at codon 424 of the ERCC6L2 protein (p.Leu424Pro).